The following is an entry in ClinVar:

NM_020937.4(FANCM):c.5042A>C (p.Asn1681Thr)

Gene: FANCM (FA complementation group M; plus strand). Cytogenetic location: 14q21.2.
Variant type: single nucleotide variant.
Coding change: c.5042A>C on transcript NM_020937.4 (MANE Select); coding-DNA position 5042, A replaced by C.
Protein change: p.Asn1681Thr; replaces asparagine 1681 with threonine.
Molecular consequence: missense variant.
Genome position (GRCh38, 1-based): chr14:45,189,064, A>C. VCF-style: chr14-45189064-A-C. GRCh37 (hg19) VCF-style: chr14-45658267-A-C.
Other names: c.4964A>C, p.Asn1655Thr (NM_001308133.2); short protein forms N1655T, N1681T.
Identifiers: ClinVar variation 3367294 (VCV003367294.1).

ClinVar aggregate classification (germline): Uncertain significance (1 of 4 stars; one submission).

Submission:

GeneDx
Classification: Uncertain significance. Last evaluated: 2023-12-28. Review status: criteria provided, single submitter. Criteria: GeneDx Variant Classification Process June 2021. Collection method: clinical testing. Allele origin: germline. Affected: yes.
Comment: Not observed at significant frequency in large population cohorts (gnomAD); In silico analysis supports that this missense variant does not alter protein structure/function; Has not been previously published as pathogenic or benign to our knowledge